The following is an entry in ClinVar:

NM_033109.5(PNPT1):c.2321C>T (p.Pro774Leu)

Gene: PNPT1 (polyribonucleotide nucleotidyltransferase 1; minus strand). Cytogenetic location: 2p16.1.
Variant type: single nucleotide variant.
Coding change: c.2321C>T on transcript NM_033109.5 (MANE Select); coding-DNA position 2321, C replaced by T.
Protein change: p.Pro774Leu; replaces proline 774 with leucine.
Molecular consequence: missense variant.
Genome position (GRCh38, 1-based): chr2:55,636,268, G>A on the plus strand (C>T on the coding strand, the complement: PNPT1 is on the minus strand). VCF-style: chr2-55636268-G-A. GRCh37 (hg19) VCF-style: chr2-55863403-G-A.
Other names: short protein forms P774L.
Identifiers: ClinVar variation 2170183 (VCV002170183.2), dbSNP rs774365432, ClinGen allele CA1667720.
Genomic context (GRCh38, chr2:55,636,268, plus strand): 5'-AATTCTAGAATTCTCTTTAAAAAAAAAAATCACTGAGAATTAGATGATGACTGTGAAATA[G>A]GTTCTCCCATTACAATACTACTTCTGTCATTCAAAGTTCTGACCACGGTTGTAGCTGGCG-3'
Protein context (NP_149100.2, residues 764-783): NDRSSIVMGE[Pro774Leu]ISQSSSNSQ

ClinVar aggregate classification (germline): Uncertain significance (1 of 4 stars; one submission).

Allele frequency attached by ClinVar (database versions not stated): TOPMed 0.00001; ExAC 0.00002.
gnomAD v4.1: 14 of 1,612,682 alleles (0.00087%); highest among the groups gnomAD compares: Admixed American, 0.0017%; no homozygotes.

Submission:

Labcorp Genetics (formerly Invitae), Labcorp
Classification: Uncertain significance. Last evaluated: 2022-07-20. Review status: criteria provided, single submitter. Criteria: Invitae Variant Classification Sherloc (09022015). Collection method: clinical testing. Allele origin: germline.
Comment: This sequence change replaces proline, which is neutral and non-polar, with leucine, which is neutral and non-polar, at codon 774 of the PNPT1 protein (p.Pro774Leu). This variant is present in population databases (rs774365432, gnomAD 0.003%). This variant has not been reported in the literature in individuals affected with PNPT1-related conditions. Advanced modeling of protein sequence and biophysical properties (such as structural, functional, and spatial information, amino acid conservation, physicochemical variation, residue mobility, and thermodynamic stability) performed at Invitae indicates that this missense variant is not expected to disrupt PNPT1 protein function. In summary, the available evidence is currently insufficient to determine the role of this variant in disease. Therefore, it has been classified as a Variant of Uncertain Significance.